The following is an entry in ClinVar:

ClinVar aggregate classification (germline): Uncertain significance (1 of 4 stars; one submission).

gnomAD v4.1: 5 of 1,613,622 alleles (0.00031%); highest among the groups gnomAD compares: Non-Finnish European, 0.00042%; no homozygotes.

Submission:

Women's Health and Genetics/Laboratory Corporation of America, LabCorp
Classification: Uncertain significance. Last evaluated: 2025-07-09. Review status: criteria provided, single submitter. Criteria: LabCorp Variant Classification Summary - May 2015. Collection method: clinical testing. Allele origin: germline.
Comment: Variant summary: CALM2 c.-9G>A is located in the untranslated mRNA region upstream of the initiation codon. The variant allele was found at a frequency of 4e-06 in 250438 control chromosomes. The available data on variant occurrences in the general population are insufficient to allow any conclusion about variant significance. To our knowledge, no occurrence of c.-9G>A in individuals affected with Long QT Syndrome and no experimental evidence demonstrating its impact on protein function have been reported. No submitters have cited clinical-significance assessments for this variant to ClinVar. Based on the evidence outlined above, the variant was classified as uncertain significance.

NM_001743.6(CALM2):c.-9G>A

Gene: CALM2 (calmodulin 2; minus strand). Cytogenetic location: 2p21.
Variant type: single nucleotide variant.
Coding change: c.-9G>A on transcript NM_001743.6 (MANE Select); 9 bases upstream of the start codon, G replaced by A.
Molecular consequence: 5 prime UTR variant. On other transcripts: synonymous variant (1), intron variant (1).
Genome position (GRCh38, 1-based): chr2:47,176,452, C>T on the plus strand (G>A on the coding strand, the complement: CALM2 is on the minus strand). VCF-style: chr2-47176452-C-T. GRCh37 (hg19) VCF-style: chr2-47403591-C-T.
Other names: c.90G>A, p.Ala30= (NM_001305624.1); c.-106+397G>A (NM_001305625.2).
Identifiers: ClinVar variation 4526059 (VCV004526059.1).